The following is an entry in ClinVar:

ClinVar aggregate classification (germline): Benign. Review status: criteria provided, multiple submitters, no conflicts (2 of 4 stars). 19 submissions from 19 submitters: Benign (17). 2 of the submissions do not count toward it. Last evaluated 2026-02-04.

Conditions:
Renal cell carcinoma. Identifiers: Orphanet 217071, MedGen C0007134, MeSH D002292, MONDO:0005086, HP:0005584.
Hereditary cancer-predisposing syndrome. Also called: Hereditary neoplastic syndrome; Tumor predisposition; Neoplastic Syndromes, Hereditary; Hereditary Cancer Syndrome. Identifiers: Orphanet 140162, MedGen C0027672, MeSH D009386, MONDO:0015356.
Papillary renal cell carcinoma type 1 (RCCP1). Also called: RENAL CELL CARCINOMA, PAPILLARY, 1, SOMATIC; Renal adenocarcinoma; Renal cell carcinoma 1; Renal cell carcinoma, somatic. Identifiers: Orphanet 47044, MedGen C1336839, OMIM 605074, HP:0011797.

Allele frequency attached by ClinVar (database versions not stated): gnomAD exomes 0.01569; ExAC 0.01880; gnomAD 0.05590; ESP Exome Variant Server 0.06204; 1000 Genomes Project 0.06210; TOPMed 0.06487; 1000 Genomes Project 30x 0.06918.
gnomAD v4.1: 17,779 of 1,594,374 alleles (1.1%); highest among the groups gnomAD compares: African/African-American, 20%; 1,605 homozygotes.

Submissions (19):

Labcorp Genetics (formerly Invitae), Labcorp
Classification: Benign for Renal cell carcinoma. Last evaluated: 2026-02-04. Review status: criteria provided, single submitter. Criteria: Invitae Variant Classification Sherloc (09022015). Collection method: clinical testing. Allele origin: germline.

ARUP Laboratories, Molecular Genetics and Genomics, ARUP Laboratories
Classification: Benign. Last evaluated: 2025-05-07. Review status: criteria provided, single submitter. Criteria: ARUP Molecular Germline Variant Investigation Process 2024. Collection method: clinical testing. Allele origin: germline.

Center for Genomic Medicine, Rigshospitalet, Copenhagen University Hospital
Classification: Benign. Last evaluated: 2025-03-04. Review status: criteria provided, single submitter. Criteria: ACMG Guidelines, 2015. Collection method: clinical testing. Allele origin: germline.

Myriad Genetics, Inc.
Classification: Benign for Papillary renal cell carcinoma type 1. Last evaluated: 2024-11-07. Review status: criteria provided, single submitter. Criteria: Myriad Autosomal Dominant, Autosomal Recessive and X-Linked Classification Criteria (2023). Collection method: clinical testing. Allele origin: unknown.
Comment: This variant is considered benign. This variant is a silent/synonymous amino acid change and it is not expected to impact splicing.

KCCC/NGS Laboratory, Kuwait Cancer Control Center
Classification: Benign for Papillary renal cell carcinoma type 1. Last evaluated: 2023-07-07. Review status: criteria provided, single submitter. Criteria: ACMG Guidelines, 2015. Collection method: clinical testing. Allele origin: germline. Affected: yes.

Department of Pathology and Laboratory Medicine, Sinai Health System
Classification: Benign for Papillary renal cell carcinoma type 1. Last evaluated: 2022-11-28. Review status: criteria provided, single submitter. Criteria: ACMG Guidelines, 2015. Collection method: clinical testing. Allele origin: germline. Affected: yes.

Quest Diagnostics Nichols Institute San Juan Capistrano
Classification: Benign. Last evaluated: 2022-04-28. Review status: criteria provided, single submitter. Criteria: Quest Diagnostics criteria. Collection method: clinical testing. Allele origin: unknown.

Mayo Clinic Laboratories, Mayo Clinic
Classification: Benign. Last evaluated: 2022-04-17. Review status: criteria provided, single submitter. Criteria: ACMG Guidelines, 2015. Collection method: clinical testing. Allele origin: germline. Observed: 14 variant alleles.

Sema4
Classification: Benign for Hereditary cancer-predisposing syndrome. Last evaluated: 2021-05-19. Review status: criteria provided, single submitter. Criteria: Sema4 Curation Guidelines. Collection method: curation. Allele origin: germline.

Athena Diagnostics
Classification: Benign. Last evaluated: 2018-05-23. Review status: criteria provided, single submitter. Criteria: Athena Diagnostics Criteria. Collection method: clinical testing. Allele origin: germline.

Illumina Laboratory Services, Illumina
Classification: Benign for Papillary renal cell carcinoma type 1. Last evaluated: 2018-01-12. Review status: criteria provided, single submitter. Criteria: ICSL Variant Classification Criteria 13 December 2019. Collection method: clinical testing. Allele origin: germline.
Comment: This variant was observed in the ICSL laboratory as part of a predisposition screen in an ostensibly healthy population. It had not been previously curated by ICSL or reported in the Human Gene Mutation Database (HGMD: prior to June 1st, 2018), and was therefore a candidate for classification through an automated scoring system. Utilizing variant allele frequency, disease prevalence and penetrance estimates, and inheritance mode, an automated score was calculated to assess if this variant is too frequent to cause the disease. Based on the score and internal cut-off values, a variant classified as benign is not then subjected to further curation. The score for this variant resulted in a classification of benign for this disease.

Women's Health and Genetics/Laboratory Corporation of America, LabCorp
Classification: Benign. Last evaluated: 2016-08-18. Review status: criteria provided, single submitter. Criteria: LabCorp Variant Classification Summary - May 2015. Collection method: clinical testing. Allele origin: germline.
Comment: Variant summary: The MET c.1131C>T (p.Ile377Ile) variant involves the alteration of a non-conserved nucleotide, resulting in a synonymous change. One in silico tool predicts a polymorphism outcome for this variant. 5/5 splice prediction tools predict no significant impact on normal splicing. ESE finder predicts that this variant may affect ESE site of SRp40. This variant was found in 2192/116598 control chromosomes (215 homozygotes), predominantly observed in the African subpopulation at a frequency of 0.2046621 (1993/9738). This frequency is about 136441 times the estimated maximal expected allele frequency of a pathogenic MET variant (0.0000015), suggesting this is a common benign polymorphism found primarily in the populations of African origin. In addition, multiple clinical diagnostic laboratories/reputable databases classified this variant as benign. Taken together, this variant is classified as benign.

GeneDx
Classification: Benign. Last evaluated: 2016-03-01. Review status: criteria provided, single submitter. Criteria: GeneDx Variant Classification (06012015). Collection method: clinical testing. Allele origin: germline. Affected: yes.
Comment: This variant is considered likely benign or benign based on one or more of the following criteria: it is a conservative change, it occurs at a poorly conserved position in the protein, it is predicted to be benign by multiple in silico algorithms, and/or has population frequency not consistent with disease.

Ambry Genetics
Classification: Benign for Hereditary cancer-predisposing syndrome. Last evaluated: 2014-11-21. Review status: criteria provided, single submitter. Criteria: Ambry Variant Classification Scheme 2023. Collection method: clinical testing. Allele origin: germline.

Eurofins Ntd Llc (ga)
Classification: Benign. Last evaluated: 2012-09-26. Review status: criteria provided, single submitter. Criteria: EGL Classification Definitions 2015. Collection method: clinical testing. Allele origin: germline. Observed: 10 variant alleles, 10 heterozygotes.

Breakthrough Genomics
Classification: Benign. Review status: criteria provided, single submitter. Criteria: ACMG Guidelines, 2015. Collection method: not provided. Allele origin: germline. Inheritance: Autosomal recessive inheritance. Affected: yes.

PreventionGenetics, part of Exact Sciences
Classification: Benign. Review status: criteria provided, single submitter. Criteria: ACMG Guidelines, 2015. Collection method: clinical testing. Allele origin: germline.

Clinical Genetics, Academic Medical Center
Classification: Benign. Review status: no assertion criteria provided. Collection method: clinical testing. Allele origin: germline. Affected: yes. Study: VKGL Data-share Consensus. Not counted in ClinVar's aggregate classification.

Joint Genome Diagnostic Labs from Nijmegen and Maastricht, Radboudumc and MUMC+
Classification: Benign. Review status: no assertion criteria provided. Collection method: clinical testing. Allele origin: germline. Affected: yes. Study: VKGL Data-share Consensus. Not counted in ClinVar's aggregate classification.

NM_000245.4(MET):c.1131C>T (p.Ile377=)

Gene: MET (MET proto-oncogene, receptor tyrosine kinase; plus strand). Cytogenetic location: 7q31.2.
Variant type: single nucleotide variant.
Coding change: c.1131C>T on transcript NM_000245.4 (MANE Select); coding-DNA position 1131, C replaced by T.
Protein change: p.Ile377=; no amino-acid change (isoleucine 377 retained).
Molecular consequence: synonymous variant. On other transcripts: intron variant (1).
Genome position (GRCh38, 1-based): chr7:116,700,215, C>T. VCF-style: chr7-116700215-C-T. GRCh37 (hg19) VCF-style: chr7-116340269-C-T.
Other names: p.Ile377=; c.1131C>T, p.Ile377= (NM_001127500.3, NM_001324401.3); c.-91+27638C>T (NM_001324402.2).
Identifiers: ClinVar variation 93566 (VCV000093566.78), dbSNP rs28444388, ClinGen allele CA147077.
Genomic context (GRCh38, chr7:116,700,215, plus strand): 5'-GGATCGATCTGCCATGTGTGCATTCCCTATCAAATATGTCAACGACTTCTTCAACAAGAT[C>T]GTCAACAAAAACAATGTGAGATGTCTCCAGCATTTTTACGGACCCAATCATGAGCACTGC-3'
Protein context (NP_000236.2, residues 367-387): IKYVNDFFNK[Ile377=]VNKNNVRCLQ